The following is an entry in ClinVar:

ClinVar aggregate classification (germline): Uncertain significance (1 of 4 stars; one submission).

Allele frequency attached by ClinVar (database versions not stated): ExAC 0.00001; gnomAD 0.00001; gnomAD exomes 0.00001.
gnomAD v4.1: 9 of 1,613,552 alleles (0.00056%); highest among the groups gnomAD compares: Non-Finnish European, 0.00076%; no homozygotes.

Submission:

Women's Health and Genetics/Laboratory Corporation of America, LabCorp
Classification: Uncertain significance. Last evaluated: 2022-10-06. Review status: criteria provided, single submitter. Criteria: LabCorp Variant Classification Summary - May 2015. Collection method: clinical testing. Allele origin: germline.
Comment: Variant summary: CD40 c.51+7T>C alters a non-conserved nucleotide located close to a canonical splice site and therefore could affect mRNA splicing, leading to a significantly altered protein sequence. 4/4 computational tools predict no significant impact on normal splicing. However, these predictions have yet to be confirmed by functional studies. The variant allele was found at a frequency of 4e-06 in 251342 control chromosomes. The available data on variant occurrences in the general population are insufficient to allow any conclusion about variant significance. To our knowledge, no occurrence of c.51+7T>C in individuals affected with Hyper IgM Syndrome Type 3 and no experimental evidence demonstrating its impact on protein function have been reported. No clinical diagnostic laboratories have submitted clinical-significance assessments for this variant to ClinVar after 2014. Based on the evidence outlined above, the variant was classified as uncertain significance.

NM_001250.6(CD40):c.51+7T>C

Genes: CD40 (CD40 molecule; plus strand), LOC127893450 (CRISPRi-FlowFISH-validated CD40 regulatory element GRCh37_chr20:44746135-44748232; plus strand). Cytogenetic location: 20q13.12.
Variant type: single nucleotide variant.
Coding change: c.51+7T>C on transcript NM_001250.6 (MANE Select); 7 bases into the intron after coding-DNA position 51, T replaced by C.
Molecular consequence: intron variant.
Genome position (GRCh38, 1-based): chr20:46,118,401, T>C. VCF-style: chr20-46118401-T-C. GRCh37 (hg19) VCF-style: chr20-44747040-T-C.
Other names: c.51+7T>C (NM_001302753.2, NM_001322421.2, NM_001362758.2 and 2 more transcripts).
Identifiers: ClinVar variation 1723248 (VCV001723248.1), dbSNP rs773611902, ClinGen allele CA9888334.